The following is an entry in ClinVar:

NM_004341.5(CAD):c.6520C>T (p.Arg2174Trp)

Genes: CAD (carbamoyl-phosphate synthetase 2, aspartate transcarbamylase, and dihydroorotase; plus strand), LOC126806172 (CDK7 strongly-dependent group 2 enhancer GRCh37_chr2:27465505-27466704; plus strand). Cytogenetic location: 2p23.3.
Variant type: single nucleotide variant.
Coding change: c.6520C>T on transcript NM_004341.5 (MANE Select); coding-DNA position 6520, C replaced by T.
Protein change: p.Arg2174Trp; replaces arginine 2174 with tryptophan.
Molecular consequence: missense variant.
Genome position (GRCh38, 1-based): chr2:27,243,237, C>T. VCF-style: chr2-27243237-C-T. GRCh37 (hg19) VCF-style: chr2-27466105-C-T.
Other names: c.6331C>T, p.Arg2111Trp (NM_001306079.2); short protein forms R2111W, R2174W.
Identifiers: ClinVar variation 2186303 (VCV002186303.1), dbSNP rs372558030, ClinGen allele CA44521963.

ClinVar aggregate classification (germline): Uncertain significance (1 of 4 stars; one submission).

Allele frequency attached by ClinVar (database versions not stated): gnomAD exomes below 0.00001; gnomAD 0.00001; TOPMed 0.00002; ESP Exome Variant Server 0.00015.
gnomAD v4.1: 3 of 1,613,842 alleles (0.00019%); highest among the groups gnomAD compares: Non-Finnish European, 0.00025%; no homozygotes.

Submission:

Labcorp Genetics (formerly Invitae), Labcorp
Classification: Uncertain significance. Last evaluated: 2022-05-04. Review status: criteria provided, single submitter. Criteria: Invitae Variant Classification Sherloc (09022015). Collection method: clinical testing. Allele origin: germline.
Comment: This sequence change replaces arginine, which is basic and polar, with tryptophan, which is neutral and slightly polar, at codon 2174 of the CAD protein (p.Arg2174Trp). This variant is not present in population databases (gnomAD no frequency). This variant has not been reported in the literature in individuals affected with CAD-related conditions. Algorithms developed to predict the effect of missense changes on protein structure and function are either unavailable or do not agree on the potential impact of this missense change (SIFT: "Deleterious"; PolyPhen-2: "Possibly Damaging"; Align-GVGD: "Class C0"). In summary, the available evidence is currently insufficient to determine the role of this variant in disease. Therefore, it has been classified as a Variant of Uncertain Significance.